The following is an entry in ClinVar:

NM_005896.4(IDH1):c.724C>G (p.Gln242Glu)

Gene: IDH1 (isocitrate dehydrogenase (NADP(+)) 1; minus strand). Cytogenetic location: 2q34.
Variant type: single nucleotide variant.
Coding change: c.724C>G on transcript NM_005896.4 (MANE Select); coding-DNA position 724, C replaced by G.
Protein change: p.Gln242Glu; replaces glutamine 242 with glutamic acid.
Molecular consequence: missense variant.
Genome position (GRCh38, 1-based): chr2:208,242,120, G>C on the plus strand (C>G on the coding strand, the complement: IDH1 is on the minus strand). VCF-style: chr2-208242120-G-C. GRCh37 (hg19) VCF-style: chr2-209106844-G-C.
Other names: c.724C>G, p.Gln242Glu (NM_001282386.1, NM_001282387.1); short protein forms Q242E.
Identifiers: ClinVar variation 1757903 (VCV001757903.2), dbSNP rs2469019649, ClinGen allele CA350097965.

ClinVar aggregate classification (germline): Uncertain significance (1 of 4 stars; one submission).

Submission:

Ambry Genetics
Classification: Uncertain significance. Last evaluated: 2022-04-12. Review status: criteria provided, single submitter. Criteria: Ambry Variant Classification Scheme 2023. Collection method: clinical testing. Allele origin: germline.
Comment: The p.Q242E variant (also known as c.724C>G), located in coding exon 5 of the IDH1 gene, results from a C to G substitution at nucleotide position 724. The glutamine at codon 242 is replaced by glutamic acid, an amino acid with highly similar properties. This amino acid position is conserved. In addition, this alteration is predicted to be tolerated by in silico analysis. Since supporting evidence is limited at this time, the clinical significance of this alteration remains unclear.